The following is an entry in ClinVar:

NM_001113378.2(FANCI):c.3671A>C (p.Asn1224Thr)

Gene: FANCI (FA complementation group I; plus strand). Cytogenetic location: 15q26.1.
Variant type: single nucleotide variant.
Coding change: c.3671A>C on transcript NM_001113378.2 (MANE Select); coding-DNA position 3671, A replaced by C.
Protein change: p.Asn1224Thr; replaces asparagine 1224 with threonine.
Molecular consequence: missense variant.
Genome position (GRCh38, 1-based): chr15:89,312,923, A>C. VCF-style: chr15-89312923-A-C. GRCh37 (hg19) VCF-style: chr15-89856154-A-C.
Other names: c.3392A>C, p.Asn1131Thr (NM_001376910.1); c.3671A>C, p.Asn1224Thr (NM_001376911.1); c.3491A>C, p.Asn1164Thr (NM_018193.3); short protein forms N1131T, N1164T, N1224T.
Identifiers: ClinVar variation 1407754 (VCV001407754.7), dbSNP rs780218001, ClinGen allele CA7723831.

ClinVar aggregate classification (germline): Uncertain significance. Review status: criteria provided, multiple submitters, no conflicts (2 of 4 stars). 2 submissions from 2 submitters: Uncertain significance (2). Last evaluated 2025-05-05.

Conditions:
Fanconi anemia (FA). Also called: Fanconi's anemia. Identifiers: Orphanet 84, MedGen C0015625, MeSH D005199, MONDO:0019391.

Allele frequency attached by ClinVar (database versions not stated): gnomAD 0.00001; ExAC 0.00002; gnomAD exomes 0.00002 and 0.00006; TOPMed 0.00002.
gnomAD v4.1: 86 of 1,613,846 alleles (0.0053%); highest among the groups gnomAD compares: Non-Finnish European, 0.0073%; no homozygotes.

Submissions (2):

Labcorp Genetics (formerly Invitae), Labcorp
Classification: Uncertain significance for Fanconi anemia. Last evaluated: 2025-05-05. Review status: criteria provided, single submitter. Criteria: Invitae Variant Classification Sherloc (09022015). Collection method: clinical testing. Allele origin: germline.
Comment: This sequence change replaces asparagine, which is neutral and polar, with threonine, which is neutral and polar, at codon 1224 of the FANCI protein (p.Asn1224Thr). This variant is present in population databases (rs780218001, gnomAD 0.004%). This variant has not been reported in the literature in individuals affected with FANCI-related conditions. ClinVar contains an entry for this variant (Variation ID: 1407754). An algorithm developed to predict the effect of missense changes on protein structure and function outputs the following: PolyPhen-2: "Benign". The threonine amino acid residue is found in multiple mammalian species, which suggests that this missense change does not adversely affect protein function. In summary, the available evidence is currently insufficient to determine the role of this variant in disease. Therefore, it has been classified as a Variant of Uncertain Significance.

Sema4
Classification: Uncertain significance for Fanconi anemia. Last evaluated: 2021-10-12. Review status: criteria provided, single submitter. Criteria: Sema4 Curation Guidelines. Collection method: curation. Allele origin: germline.
Comment: The FANCI c.3671A>C (p.N1224T) variant has not been reported in the literature to our knowledge. This variant was observed in 4/113748 chromosomes in the Non-Finnish European population, according to the Genome Aggregation Database (PMID: 32461654). This variant has not been reported in ClinVar. Functional studies have not been performed, and in silico predictions of the variant's effect on protein function are inconclusive. Based on the current evidence available, this variant is interpreted as a variant of uncertain significance.